The following is an entry in ClinVar:

NM_025099.6(CTC1):c.409_410del (p.Arg136_Asp137insTer)

Gene: CTC1 (CST telomere replication complex component 1; minus strand). Cytogenetic location: 17p13.1.
Variant type: Microsatellite.
Coding change: c.409_410del on transcript NM_025099.6 (MANE Select); coding-DNA positions 409 to 410, 2 bases deleted (GA; older notation c.409_410delGA).
Protein change: p.Arg136_Asp137insTer.
Molecular consequence: nonsense. On other transcripts: non-coding transcript variant (1).
Genome position (GRCh38, 1-based): chr17:8,238,417-8,238,418, TC deleted on the plus strand (GA on the coding strand, the reverse complement: CTC1 is on the minus strand); deleting any 2 consecutive bases within chr17:8,238,417-8,238,422 gives the same sequence; the c. name uses the placement nearest the transcript's 3' end. VCF-style (leftmost placement, unchanged base first): chr17-8238416-ATC-A. GRCh37 (hg19) VCF-style: chr17-8141734-ATC-A.
Other names: c.409_410del, p.Arg136_Asp137insTer (NM_001411067.1).
Identifiers: ClinVar variation 2816982 (VCV002816982.3), dbSNP rs1987930048, ClinGen allele CA2246182068.
Genomic context (GRCh38, chr17:8,238,416, plus strand): 5'-AGGATCTGAGGCATCTGATCTCCACCTTCCACTCACCTCACAGCTCAGGACGCCAGTGTT[ATC>A]TCTCACATAGAGGCTTCCGTTCCTGCACTCTTGTTCCAAGTCTGCCGATAGGTCTGTTAG-3'

ClinVar aggregate classification (germline): Pathogenic (1 of 4 stars; one submission).

Conditions:
Dyskeratosis congenita. Identifiers: Orphanet 1775, MedGen C0265965, MONDO:0015780.

Submission:

Labcorp Genetics (formerly Invitae), Labcorp
Classification: Pathogenic for Dyskeratosis congenita. Last evaluated: 2022-11-28. Review status: criteria provided, single submitter. Criteria: Invitae Variant Classification Sherloc (09022015). Collection method: clinical testing. Allele origin: germline.
Comment: This sequence change creates a premature translational stop signal (p.Asp137*) in the CTC1 gene. It is expected to result in an absent or disrupted protein product. Loss-of-function variants in CTC1 are known to be pathogenic (PMID: 22267198, 22387016). This variant is not present in population databases (gnomAD no frequency). This variant has not been reported in the literature in individuals affected with CTC1-related conditions. For these reasons, this variant has been classified as Pathogenic.

Literature cited by the submitters: PubMed 22267198; PubMed 22387016.